The following is an entry in ClinVar:

NM_002294.3(LAMP2):c.237T>G (p.Cys79Trp)

Gene: LAMP2 (lysosomal associated membrane protein 2; minus strand). Cytogenetic location: Xq24.
Variant type: single nucleotide variant.
Coding change: c.237T>G on transcript NM_002294.3 (MANE Select); coding-DNA position 237, T replaced by G.
Protein change: p.Cys79Trp; replaces cysteine 79 with tryptophan.
Molecular consequence: missense variant.
Genome position (GRCh38, 1-based): chrX:120,455,517, A>C on the plus strand (T>G on the coding strand, the complement: LAMP2 is on the minus strand). VCF-style: chrX-120455517-A-C. GRCh37 (hg19) VCF-style: chrX-119589372-A-C.
Other names: c.237T>G, p.Cys79Trp (NM_001122606.1, NM_013995.2); short protein forms C79W.
Identifiers: ClinVar variation 1306913 (VCV001306913.2), dbSNP rs2147286906, ClinGen allele CA414403381.

ClinVar aggregate classification (germline): Uncertain significance (1 of 4 stars; one submission).

Allele frequency attached by ClinVar (database versions not stated): gnomAD exomes below 0.00001.
gnomAD v4.1: 1 of 1,210,768 alleles (0.000083%); highest among the groups gnomAD compares: Non-Finnish European, 0.00011%; no homozygotes.

Submission:

GeneDx
Classification: Uncertain significance. Last evaluated: 2019-07-03. Review status: criteria provided, single submitter. Criteria: GeneDx Variant Classification Process June 2021. Collection method: clinical testing. Allele origin: germline. Affected: yes.
Comment: Has not been previously published as pathogenic or benign to our knowledge; Not observed in large population cohorts (Lek et al., 2016); In silico analysis, which includes protein predictors and evolutionary conservation, supports a deleterious effect